The following is an entry in ClinVar:

ClinVar aggregate classification (germline): Uncertain significance (1 of 4 stars; one submission).

Conditions:
Neuropathy, hereditary sensory and autonomic, type 2A (HSAN2A). Also called: ACROOSTEOLYSIS, GIACCAI TYPE; ACROOSTEOLYSIS, NEUROGENIC; MORVAN DISEASE; NEUROPATHY, CONGENITAL SENSORY; NEUROPATHY, HEREDITARY SENSORY RADICULAR, AUTOSOMAL RECESSIVE; NEUROPATHY, HEREDITARY SENSORY, TYPE IIA. Identifiers: Orphanet 970, MedGen C2752089, MONDO:0024309, OMIM 201300.
Pseudohypoaldosteronism type 2C (PHA2C). Also called: Pseudohypoaldosteronism Type IIC. Identifiers: Orphanet 757, Orphanet 88940, MedGen C1840391, MONDO:0013778, OMIM 614492.

Allele frequency attached by ClinVar (database versions not stated): TOPMed below 0.00001; gnomAD 0.00001.
gnomAD v4.1: 1 of 1,614,054 alleles (0.000062%); highest among the groups gnomAD compares: Non-Finnish European, 0.000085%; no homozygotes.

Submission:

Labcorp Genetics (formerly Invitae), Labcorp
Classification: Uncertain significance for Neuropathy, hereditary sensory and autonomic, type 2A; Pseudohypoaldosteronism type 2C. Last evaluated: 2024-10-05. Review status: criteria provided, single submitter. Criteria: Invitae Variant Classification Sherloc (09022015). Collection method: clinical testing. Allele origin: germline.
Comment: This sequence change replaces alanine, which is neutral and non-polar, with threonine, which is neutral and polar, at codon 2609 of the WNK1 protein (p.Ala2609Thr). This variant is not present in population databases (gnomAD no frequency). This variant has not been reported in the literature in individuals affected with WNK1-related conditions. ClinVar contains an entry for this variant (Variation ID: 1989576). Invitae Evidence Modeling of protein sequence and biophysical properties (such as structural, functional, and spatial information, amino acid conservation, physicochemical variation, residue mobility, and thermodynamic stability) indicates that this missense variant is not expected to disrupt WNK1 protein function with a negative predictive value of 95%. In summary, the available evidence is currently insufficient to determine the role of this variant in disease. Therefore, it has been classified as a Variant of Uncertain Significance.

NM_018979.4(WNK1):c.7069G>A (p.Ala2357Thr)

Gene: WNK1 (WNK lysine deficient protein kinase 1; plus strand). Cytogenetic location: 12p13.33.
Variant type: single nucleotide variant.
Coding change: c.7069G>A on transcript NM_018979.4 (MANE Select); coding-DNA position 7069, G replaced by A.
Protein change: p.Ala2357Thr; replaces alanine 2357 with threonine.
Molecular consequence: missense variant.
Genome position (GRCh38, 1-based): chr12:908,712, G>A. VCF-style: chr12-908712-G-A. GRCh37 (hg19) VCF-style: chr12-1017878-G-A.
Other names: c.7849G>A, p.Ala2617Thr (NM_001184985.2); c.6325G>A, p.Ala2109Thr (NM_014823.3); c.7825G>A, p.Ala2609Thr (NM_213655.5); short protein forms A2357T, A2109T, A2609T, A2617T.
Identifiers: ClinVar variation 1989576 (VCV001989576.4), dbSNP rs991955084, ClinGen allele CA231498242.
Genomic context (GRCh38, chr12:908,712, plus strand): 5'-TGGAGTGGGACGGGTGGCCCAGCACCACAGCCACTTGGCCAGTTCCAACCTGTGGGAACT[G>A]CCTCCTTGCAGAATTTCAACATCAGCAATTTGCAGAAATCCATCAGCAACCCCCCAGGCT-3'
Protein context (NP_061852.3, residues 2347-2367): PLGQFQPVGT[Ala2357Thr]SLQNFNISNL